The following is an entry in ClinVar:

ClinVar aggregate classification (germline): Conflicting classifications of pathogenicity. Review status: criteria provided, conflicting classifications (1 of 4 stars). 2 submissions from 2 submitters: Uncertain significance (1); Likely benign (1). Last evaluated 2026-09-11.

Conditions:
Retinoblastoma (RB1). Also called: RETINOBLASTOMA, SOMATIC. Identifiers: Orphanet 790, MedGen C0035335, MeSH D012175, MONDO:0008380, OMIM 180200, HP:0009919. Disease mechanism: loss of function. Inheritance: Both sporadic and heritable forms are tested..
Hereditary cancer-predisposing syndrome. Also called: Hereditary Cancer Syndrome; Hereditary neoplastic syndrome; Neoplastic Syndromes, Hereditary; Tumor predisposition. Identifiers: Orphanet 140162, MedGen C0027672, MeSH D009386, MONDO:0015356.

Allele frequency attached by ClinVar (database versions not stated): TOPMed below 0.00001.

Submissions (2):

Ambry Genetics
Classification: Likely benign for Hereditary cancer-predisposing syndrome. Last evaluated: 2026-09-11. Review status: criteria provided, single submitter. Criteria: Ambry Variant Classification Scheme 2023. Collection method: clinical testing. Allele origin: germline.

Labcorp Genetics (formerly Invitae), Labcorp
Classification: Uncertain significance for Retinoblastoma. Last evaluated: 2025-09-19. Review status: criteria provided, single submitter. Criteria: Invitae Variant Classification Sherloc (09022015). Collection method: clinical testing. Allele origin: germline.
Comment: This sequence change replaces threonine, which is neutral and polar, with alanine, which is neutral and non-polar, at codon 52 of the RB1 protein (p.Thr52Ala). This variant is not present in population databases (gnomAD no frequency). This variant has not been reported in the literature in individuals affected with RB1-related conditions. ClinVar contains an entry for this variant (Variation ID: 2450495). An algorithm developed to predict the effect of missense changes on protein structure and function outputs the following: PolyPhen-2: "Benign". The alanine amino acid residue is found in multiple mammalian species, which suggests that this missense change does not adversely affect protein function. In summary, the available evidence is currently insufficient to determine the role of this variant in disease. Therefore, it has been classified as a Variant of Uncertain Significance.

NM_000321.3(RB1):c.154A>G (p.Thr52Ala)

Gene: RB1 (RB transcriptional corepressor 1; plus strand). Cytogenetic location: 13q14.2.
Variant type: single nucleotide variant.
Coding change: c.154A>G on transcript NM_000321.3 (MANE Select); coding-DNA position 154, A replaced by G.
Protein change: p.Thr52Ala; replaces threonine 52 with alanine.
Molecular consequence: missense variant.
Genome position (GRCh38, 1-based): chr13:48,307,296, A>G. VCF-style: chr13-48307296-A-G. GRCh37 (hg19) VCF-style: chr13-48881432-A-G.
Other names: c.154A>G, p.Thr52Ala (NM_001407165.1, NM_001407166.1, NM_001407167.1); short protein forms T52A.
Identifiers: ClinVar variation 2450495 (VCV002450495.6), dbSNP rs1411922611, ClinGen allele CA388250458.
Genomic context (GRCh38, chr13:48,307,296, plus strand): 5'-ATTTATAAGTATATGCCAATTATATGATTATTTTCATTTGGTAGGCTTGAGTTTGAAGAA[A>G]CAGAAGAACCTGATTTTACTGCATTATGTCAGAAATTAAAGATACCAGATCATGTCAGAG-3'
Protein context (NP_000312.2, residues 42-62): LPLVRLEFEE[Thr52Ala]EEPDFTALCQ